The following is an entry in ClinVar:

ClinVar aggregate classification (germline): Uncertain significance (1 of 4 stars; one submission).

Conditions:
Catecholaminergic polymorphic ventricular tachycardia (CVPT). Also called: Catecholamine-induced polymorphic ventricular tachycardia. Identifiers: Orphanet 3286, MedGen C5574922, MONDO:0017990.

Submission:

All of Us Research Program, National Institutes of Health
Classification: Uncertain significance for Catecholaminergic polymorphic ventricular tachycardia. Last evaluated: 2023-12-13. Review status: criteria provided, single submitter. Criteria: ACMG Guidelines, 2015. Collection method: clinical testing. Allele origin: germline. Inheritance: Autosomal dominant inheritance. Observed: 1 variant allele, 1 heterozygote.
Comment: This missense variant replaces lysine with asparagine at codon 2854 of the RYR2 protein. Computational prediction suggests that this variant may have deleterious impact on protein structure and function (internally defined REVEL score threshold >= 0.7, PMID: 27666373). To our knowledge, functional studies have not been reported for this variant. This variant has not been reported in individuals affected with RYR2-related disorders in the literature. This variant has not been identified in the general population by the Genome Aggregation Database (gnomAD). The available evidence is insufficient to determine the role of this variant in disease conclusively. Therefore, this variant is classified as a Variant of Uncertain Significance.

This study involves interpretation of variants in research participants for the purpose of population health screening. Participant phenotype was not available at the time of variant classification. Additional details can be found in publication PMID: 35346344, PMCID: PMC8962531

NM_001035.3(RYR2):c.8562G>C (p.Lys2854Asn)

Gene: RYR2 (ryanodine receptor 2; plus strand). Cytogenetic location: 1q43.
Variant type: single nucleotide variant.
Coding change: c.8562G>C on transcript NM_001035.3 (MANE Select); coding-DNA position 8562, G replaced by C.
Protein change: p.Lys2854Asn; replaces lysine 2854 with asparagine.
Molecular consequence: missense variant.
Genome position (GRCh38, 1-based): chr1:237,667,930, G>C. VCF-style: chr1-237667930-G-C. GRCh37 (hg19) VCF-style: chr1-237831230-G-C.
Other names: short protein forms K2854N.
Identifiers: ClinVar variation 3074887 (VCV003074887.1), dbSNP rs2547168623, ClinGen allele CA345402547.